The following is an entry in ClinVar:

NM_001142800.2(EYS):c.7955del (p.Cys2652fs)

Gene: EYS (eyes shut homolog; minus strand). Cytogenetic location: 6q12.
Variant type: Deletion.
Coding change: c.7955del on transcript NM_001142800.2 (MANE Select); coding-DNA position 7955, one base deleted (G; older notation c.7955delG).
Protein change: p.Cys2652fs; shifts the reading frame from cysteine 2652.
Molecular consequence: frameshift variant.
Genome position (GRCh38, 1-based): chr6:63,762,577, C deleted on the plus strand (G on the coding strand, the reverse complement: EYS is on the minus strand). VCF-style (leftmost placement, unchanged base first): chr6-63762576-AC-A. GRCh37 (hg19) VCF-style: chr6-64472469-AC-A.
Other names: c.7955del, p.Cys2652fs (NM_001292009.2); short protein forms C2652fs.
Identifiers: ClinVar variation 3767377 (VCV003767377.1).

ClinVar aggregate classification (germline): Likely pathogenic (1 of 4 stars; one submission).

Conditions:
Retinitis pigmentosa 25 (RP25). Identifiers: Orphanet 791, MedGen C1864446, MONDO:0011272, OMIM 602772.

Submission:

SingHealth Duke-NUS Institute of Precision Medicine
Classification: Likely pathogenic for Retinitis pigmentosa 25. Last evaluated: 2025-02-05. Review status: criteria provided, single submitter. Criteria: PRISM ACMG Classification Criteria. Collection method: clinical testing. Allele origin: germline. Affected: yes.
Comment: Variant is predicted to cause nonsense-mediated decay in a gene where LOF is a known cause of pathogenicity (PVS1). Variant is not found in gnomAD exomes or genomes (PM2).